The following is an entry in ClinVar:

ClinVar aggregate classification (germline): Uncertain significance (0 of 4 stars; one submission).

Conditions:
LRRC45-related disorder. Also called: LRRC45-related condition.

Submission:

PreventionGenetics, part of Exact Sciences
Classification: Uncertain significance for LRRC45-related condition. Last evaluated: 2024-07-18. Review status: no assertion criteria provided. Collection method: clinical testing. Allele origin: germline.
Comment: The LRRC45 c.283-3T>G variant is predicted to interfere with splicing. To our knowledge, this variant has not been reported in the literature or in a large population database, indicating this variant is rare. At this time, the clinical significance of this variant is uncertain due to the absence of conclusive functional and genetic evidence.

NM_144999.4(LRRC45):c.283-3T>G

Gene: LRRC45 (leucine rich repeat containing 45; plus strand). Cytogenetic location: 17q25.3.
Variant type: single nucleotide variant.
Coding change: c.283-3T>G on transcript NM_144999.4 (MANE Select); 3 bases into the intron before coding-DNA position 283, T replaced by G.
Molecular consequence: intron variant.
Genome position (GRCh38, 1-based): chr17:82,024,690, T>G. VCF-style: chr17-82024690-T-G. GRCh37 (hg19) VCF-style: chr17-79982566-T-G.
Identifiers: ClinVar variation 3346880 (VCV003346880.1).